The following is an entry in ClinVar:

NM_001437.3(ESR2):c.232G>T (p.Val78Leu)

Gene: ESR2 (estrogen receptor 2; minus strand). Cytogenetic location: 14q23.2.
Variant type: single nucleotide variant.
Coding change: c.232G>T on transcript NM_001437.3 (MANE Select); coding-DNA position 232, G replaced by T.
Protein change: p.Val78Leu; replaces valine 78 with leucine.
Molecular consequence: missense variant. On other transcripts: non-coding transcript variant (2).
Genome position (GRCh38, 1-based): chr14:64,282,754, C>A on the plus strand (G>T on the coding strand, the complement: ESR2 is on the minus strand). VCF-style: chr14-64282754-C-A. GRCh37 (hg19) VCF-style: chr14-64749472-C-A.
Other names: c.232G>T, p.Val78Leu (NM_001040275.1, NM_001214902.1, NM_001271876.1 and 3 more transcripts); short protein forms V78L.
Identifiers: ClinVar variation 2858989 (VCV002858989.3), dbSNP rs774889601, ClinGen allele CA7225647.

ClinVar aggregate classification (germline): Uncertain significance (1 of 4 stars; one submission).

Allele frequency attached by ClinVar (database versions not stated): gnomAD exomes below 0.00001; ExAC 0.00001.
gnomAD v4.1: 11 of 1,614,244 alleles (0.00068%); highest among the groups gnomAD compares: South Asian, 0.0077%; no homozygotes.

Submission:

Labcorp Genetics (formerly Invitae), Labcorp
Classification: Uncertain significance. Last evaluated: 2023-10-04. Review status: criteria provided, single submitter. Criteria: Invitae Variant Classification Sherloc (09022015). Collection method: clinical testing. Allele origin: germline.
Comment: This sequence change replaces valine, which is neutral and non-polar, with leucine, which is neutral and non-polar, at codon 78 of the ESR2 protein (p.Val78Leu). This variant is present in population databases (rs774889601, gnomAD 0.006%). This variant has not been reported in the literature in individuals affected with ESR2-related conditions. Advanced modeling of protein sequence and biophysical properties (such as structural, functional, and spatial information, amino acid conservation, physicochemical variation, residue mobility, and thermodynamic stability) performed at Invitae indicates that this missense variant is not expected to disrupt ESR2 protein function. In summary, the available evidence is currently insufficient to determine the role of this variant in disease. Therefore, it has been classified as a Variant of Uncertain Significance.